The following is an entry in ClinVar:

NM_004369.4(COL6A3):c.9494-208A>T

Genes: COL6A3 (collagen type VI alpha 3 chain; minus strand), LOC126806573 (CDK7 strongly-dependent group 2 enhancer GRCh37_chr2:238233151-238234350; plus strand). Cytogenetic location: 2q37.3.
Variant type: single nucleotide variant.
Coding change: c.9494-208A>T on transcript NM_004369.4 (MANE Select); 208 bases into the intron before coding-DNA position 9494, A replaced by T.
Molecular consequence: intron variant.
Genome position (GRCh38, 1-based): chr2:237,325,022, T>A on the plus strand (A>T on the coding strand, the complement: COL6A3 is on the minus strand). VCF-style: chr2-237325022-T-A. GRCh37 (hg19) VCF-style: chr2-238233665-T-A.
Other names: c.7673-208A>T (NM_057166.5); c.8876-208A>T (NM_057167.4).
Identifiers: ClinVar variation 681669 (VCV000681669.1), dbSNP rs72984147, ClinGen allele CA11308284.

ClinVar aggregate classification (germline): Benign (1 of 4 stars; one submission).

Allele frequency attached by ClinVar (database versions not stated): 1000 Genomes Project 30x 0.05856; 1000 Genomes Project 0.05931; TOPMed 0.07073; gnomAD 0.07289.
gnomAD v4.1: 11,102 of 152,138 alleles (7.3%); highest among the groups gnomAD compares: Non-Finnish European, 10%; 507 homozygotes.

Submission:

GeneDx
Classification: Benign. Last evaluated: 2018-06-16. Review status: criteria provided, single submitter. Criteria: GeneDx Variant Classification (06012015). Collection method: clinical testing. Allele origin: germline. Affected: yes.
Comment: This variant is considered likely benign or benign based on one or more of the following criteria: it is a conservative change, it occurs at a poorly conserved position in the protein, it is predicted to be benign by multiple in silico algorithms, and/or has population frequency not consistent with disease.